The following is an entry in ClinVar:

NM_001354930.2(RIPK1):c.1861C>T (p.Arg621Ter)

Gene: RIPK1 (receptor interacting serine/threonine kinase 1; plus strand). Cytogenetic location: 6p25.2.
Variant type: single nucleotide variant.
Coding change: c.1861C>T on transcript NM_001354930.2 (MANE Select); coding-DNA position 1861, C replaced by T.
Protein change: p.Arg621Ter; replaces arginine 621 with a stop codon.
Molecular consequence: nonsense.
Genome position (GRCh38, 1-based): chr6:3,113,184, C>T. VCF-style: chr6-3113184-C-T. GRCh37 (hg19) VCF-style: chr6-3113418-C-T.
Other names: c.1372C>T, p.Arg458Ter (NM_001317061.3, NM_001354932.2, NM_001354933.2 and 1 more transcripts); c.1723C>T, p.Arg575Ter (NM_001354931.2); c.1861C>T, p.Arg621Ter (NM_003804.6); short protein forms R458*, R621*, R575*.
Identifiers: ClinVar variation 2983351 (VCV002983351.4), dbSNP rs746209638, ClinGen allele CA3618532.
Genomic context (GRCh38, chr6:3,113,184, plus strand): 5'-TGTGCCCGTAAACTGGGCTTCACACAGTCTCAGATTGATGAAATTGACCATGACTATGAG[C>T]GAGATGGACTGAAAGAAAAGGTTTACCAGATGCTCCAAAAGTGGGTGATGAGGGAAGGCA-3'

ClinVar aggregate classification (germline): Conflicting classifications of pathogenicity. Review status: criteria provided, conflicting classifications (1 of 4 stars). 2 submissions from 2 submitters: Likely pathogenic (1); Uncertain significance (1). Last evaluated 2026-01-24.

Conditions:
RIPK1-related disorder. Also called: RIPK1-related condition.

gnomAD v4.1: 7 of 1,613,768 alleles (0.00043%); highest among the groups gnomAD compares: Non-Finnish European, 0.00059%; no homozygotes.

Submissions (2):

Labcorp Genetics (formerly Invitae), Labcorp
Classification: Uncertain significance. Last evaluated: 2026-01-24. Review status: criteria provided, single submitter. Criteria: Invitae Variant Classification Sherloc (09022015). Collection method: clinical testing. Allele origin: germline.
Comment: This sequence change creates a premature translational stop signal (p.Arg621*) in the RIPK1 gene. While this is not anticipated to result in nonsense mediated decay, it is expected to disrupt the last 51 amino acid(s) of the RIPK1 protein. This variant is present in population databases (rs746209638, gnomAD 0.002%). This variant has not been reported in the literature in individuals affected with RIPK1-related conditions. ClinVar contains an entry for this variant (Variation ID: 2983351). Experimental studies and prediction algorithms are not available or were not evaluated, and the functional significance of this variant is currently unknown. In summary, the available evidence is currently insufficient to determine the role of this variant in disease. Therefore, it has been classified as a Variant of Uncertain Significance.

Blueprint Genetics
Classification: Likely pathogenic for RIPK1-related disorders. Last evaluated: 2024-06-13. Review status: criteria provided, single submitter. Criteria: ACMG Guidelines, 2015. Collection method: clinical testing. Allele origin: germline. Affected: yes. Observed: 3 variant alleles.